The following is an entry in ClinVar:

NM_005343.4(HRAS):c.365C>T (p.Ala122Val)

Genes: HRAS (HRas proto-oncogene, GTPase; minus strand), LRRC56 (leucine rich repeat containing 56; plus strand). Cytogenetic location: 11p15.5.
Variant type: single nucleotide variant.
Coding change: c.365C>T on transcript NM_005343.4 (MANE Select); coding-DNA position 365, C replaced by T.
Protein change: p.Ala122Val; replaces alanine 122 with valine.
Molecular consequence: missense variant.
Genome position (GRCh38, 1-based): chr11:533,538, G>A on the plus strand (C>T on the coding strand, the complement: HRAS is on the minus strand). VCF-style: chr11-533538-G-A. GRCh37 (hg19) VCF-style: chr11-533538-G-A.
Other names: c.365C>T, p.Ala122Val (NM_001130442.3, NM_176795.5); c.46C>T, p.His16Tyr (NM_001318054.2); short protein forms A122V, H16Y.
Identifiers: ClinVar variation 1415726 (VCV001415726.8), dbSNP rs779711606, ClinGen allele CA5779329.
Genomic context (GRCh38, chr11:533,538, plus strand): 5'-ATGTAGGGGATGCCGTAGCTTCGGGCGAGGTCCTGAGCCTGCCGAGATTCCACAGTGCGT[G>A]CAGCCAGGTCACACTTGTTCCCCACCAGCACCATGGGCACGTCATCCGAGTCCTTCACCC-3'
Protein context (NP_005334.1, residues 112-132): VLVGNKCDLA[Ala122Val]RTVESRQAQD

ClinVar aggregate classification (germline): Uncertain significance (1 of 4 stars; one submission).

Conditions:
Costello syndrome (CSTLO). Also called: FACIOCUTANEOSKELETAL SYNDROME; FCS SYNDROME; HRAS-Related Costello Syndrome. Identifiers: Orphanet 3071, MedGen C0587248, MONDO:0009026, OMIM 218040.

Allele frequency attached by ClinVar (database versions not stated): ExAC 0.00001; gnomAD 0.00001; gnomAD exomes 0.00001.
gnomAD v4.1: 13 of 1,613,760 alleles (0.00081%); highest among the groups gnomAD compares: East Asian, 0.027%; no homozygotes.

Submission:

Labcorp Genetics (formerly Invitae), Labcorp
Classification: Uncertain significance for Costello syndrome. Last evaluated: 2025-01-24. Review status: criteria provided, single submitter. Criteria: Invitae Variant Classification Sherloc (09022015). Collection method: clinical testing. Allele origin: germline.
Comment: This sequence change replaces alanine, which is neutral and non-polar, with valine, which is neutral and non-polar, at codon 122 of the HRAS protein (p.Ala122Val). This variant is present in population databases (rs779711606, gnomAD 0.01%). This variant has not been reported in the literature in individuals affected with HRAS-related conditions. ClinVar contains an entry for this variant (Variation ID: 1415726). Invitae Evidence Modeling of protein sequence and biophysical properties (such as structural, functional, and spatial information, amino acid conservation, physicochemical variation, residue mobility, and thermodynamic stability) has been performed for this missense variant. However, the output from this modeling did not meet the statistical confidence thresholds required to predict the impact of this variant on HRAS protein function. In summary, the available evidence is currently insufficient to determine the role of this variant in disease. Therefore, it has been classified as a Variant of Uncertain Significance.